The following is an entry in ClinVar:

ClinVar aggregate classification (germline): Uncertain significance. Review status: criteria provided, multiple submitters, no conflicts (2 of 4 stars). 2 submissions from 2 submitters: Uncertain significance (2). Last evaluated 2024-11-22.

Conditions:
Treacher Collins syndrome 1 (TCS1). Also called: TCOF1-Related Treacher Collins Syndrome. Identifiers: Orphanet 861, MedGen CN315775, MONDO:0007944, OMIM 154500.

Allele frequency attached by ClinVar (database versions not stated): gnomAD exomes below 0.00001; TOPMed 0.00001; gnomAD 0.00002; ExAC 0.00001.
gnomAD v4.1: 4 of 1,614,048 alleles (0.00025%); highest among the groups gnomAD compares: African/African-American, 0.0053%; no homozygotes.

Submissions (2):

Labcorp Genetics (formerly Invitae), Labcorp
Classification: Uncertain significance for Treacher Collins syndrome 1. Last evaluated: 2024-11-22. Review status: criteria provided, single submitter. Criteria: Invitae Variant Classification Sherloc (09022015). Collection method: clinical testing. Allele origin: germline.
Comment: This sequence change replaces glutamic acid, which is acidic and polar, with valine, which is neutral and non-polar, at codon 473 of the TCOF1 protein (p.Glu473Val). This variant is present in population databases (rs769387785, gnomAD 0.008%). This variant has not been reported in the literature in individuals affected with TCOF1-related conditions. ClinVar contains an entry for this variant (Variation ID: 1702797). Invitae Evidence Modeling of protein sequence and biophysical properties (such as structural, functional, and spatial information, amino acid conservation, physicochemical variation, residue mobility, and thermodynamic stability) indicates that this missense variant is not expected to disrupt TCOF1 protein function with a negative predictive value of 80%. In summary, the available evidence is currently insufficient to determine the role of this variant in disease. Therefore, it has been classified as a Variant of Uncertain Significance.

GeneDx
Classification: Uncertain significance. Last evaluated: 2024-05-06. Review status: criteria provided, single submitter. Criteria: GeneDx Variant Classification Process June 2021. Collection method: clinical testing. Allele origin: germline.
Comment: In silico analysis supports that this missense variant has a deleterious effect on protein structure/function; Has not been previously published as pathogenic or benign to our knowledge

NM_001371623.1(TCOF1):c.1418A>T (p.Glu473Val)

Gene: TCOF1 (treacle ribosome biogenesis factor 1; plus strand). Cytogenetic location: 5q32.
Variant type: single nucleotide variant.
Coding change: c.1418A>T on transcript NM_001371623.1 (MANE Select); coding-DNA position 1418, A replaced by T.
Protein change: p.Glu473Val; replaces glutamic acid 473 with valine.
Molecular consequence: missense variant.
Genome position (GRCh38, 1-based): chr5:150,375,093, A>T. VCF-style: chr5-150375093-A-T. GRCh37 (hg19) VCF-style: chr5-149754656-A-T.
Other names: c.1187A>T, p.Glu396Val (NM_000356.4, NM_001135245.2); c.1418A>T, p.Glu473Val (NM_001008657.3, NM_001135243.2, NM_001135244.2 and 1 more transcripts); short protein forms E396V, E473V.
Identifiers: ClinVar variation 1702797 (VCV001702797.5), dbSNP rs769387785, ClinGen allele CA3510856.